The following is an entry in ClinVar:

ClinVar aggregate classification (germline): Uncertain significance (1 of 4 stars; one submission).

Conditions:
Inborn genetic diseases. Identifiers: MedGen C0950123, MeSH D030342.

Submission:

Ambry Genetics
Classification: Uncertain significance for Inborn genetic diseases. Last evaluated: 2025-03-30. Review status: criteria provided, single submitter. Criteria: Ambry Variant Classification Scheme 2023. Collection method: clinical testing. Allele origin: germline.
Comment: The p.I1296S variant (also known as c.3887T>G), located in coding exon 14 of the FANCM gene, results from a T to G substitution at nucleotide position 3887. The isoleucine at codon 1296 is replaced by serine, an amino acid with dissimilar properties. This amino acid position is conserved. In addition, this alteration is predicted to be tolerated by in silico analysis. Based on the available evidence, the clinical significance of this variant remains unclear.

NM_020937.4(FANCM):c.3887T>G (p.Ile1296Ser)

Gene: FANCM (FA complementation group M; plus strand). Cytogenetic location: 14q21.2.
Variant type: single nucleotide variant.
Coding change: c.3887T>G on transcript NM_020937.4 (MANE Select); coding-DNA position 3887, T replaced by G.
Protein change: p.Ile1296Ser; replaces isoleucine 1296 with serine.
Molecular consequence: missense variant.
Genome position (GRCh38, 1-based): chr14:45,176,641, T>G. VCF-style: chr14-45176641-T-G. GRCh37 (hg19) VCF-style: chr14-45645844-T-G.
Other names: c.3809T>G, p.Ile1270Ser (NM_001308133.2); short protein forms I1270S, I1296S.
Identifiers: ClinVar variation 4022627 (VCV004022627.1).
Genomic context (GRCh38, chr14:45,176,641, plus strand): 5'-CGAATCAAGCACTAATACCAAGAGATCATAGTAAAAATTTTACTAGTGGAACTGTTATTA[T>G]CCCATCAAATGAAGATATGCAGAATCCAAATTATGTACATTTGCCACTGAGTGCAGCAAA-3'
Protein context (NP_065988.1, residues 1286-1306): SKNFTSGTVI[Ile1296Ser]PSNEDMQNPN